The following is an entry in ClinVar:

ClinVar aggregate classification (germline): Benign/Likely benign. Review status: criteria provided, multiple submitters, no conflicts (2 of 4 stars). 5 submissions from 5 submitters: Benign (1); Likely benign (4). Last evaluated 2025-11-17.

Conditions:
Hyperaldosteronism, familial, type IV (HALD4). Also called: FH IV; ALDOSTERONISM, PRIMARY, AND HYPERTENSION. Identifiers: Orphanet 642671, MedGen C4310756, MONDO:0014875, OMIM 617027.
Idiopathic generalized epilepsy. Also called: Generalised epilepsy; EIG. Identifiers: MedGen C0270850, MONDO:0005579, OMIM 600669.
Epilepsy, childhood absence, susceptibility to, 6. Identifiers: Orphanet 64280, MedGen C2749872, MONDO:0012763, OMIM 611942.

Allele frequency attached by ClinVar (database versions not stated): gnomAD 0.00048; TOPMed 0.00053; gnomAD exomes 0.00014; ExAC 0.00015; ESP Exome Variant Server 0.00041.
gnomAD v4.1: 147 of 1,495,132 alleles (0.0098%); highest among the groups gnomAD compares: African/African-American, 0.13%; 2 homozygotes.

Submissions (5):

Labcorp Genetics (formerly Invitae), Labcorp
Classification: Likely benign for Idiopathic generalized epilepsy; Hyperaldosteronism, familial, type IV. Last evaluated: 2025-11-17. Review status: criteria provided, single submitter. Criteria: Invitae Variant Classification Sherloc (09022015). Collection method: clinical testing. Allele origin: germline.

Mayo Clinic Laboratories, Mayo Clinic
Classification: Likely benign. Last evaluated: 2025-07-25. Review status: criteria provided, single submitter. Criteria: ACMG Guidelines, 2015. Collection method: clinical testing. Allele origin: germline. Observed: 1 variant allele.
Comment: BP4, BP7

Blueprint Genetics
Classification: Likely benign. Last evaluated: 2024-09-06. Review status: criteria provided, single submitter. Criteria: ACMG Guidelines, 2015. Collection method: clinical testing. Allele origin: germline.

CeGaT Center for Human Genetics Tuebingen
Classification: Benign. Last evaluated: 2022-08-01. Review status: criteria provided, single submitter. Criteria: CeGaT Center For Human Genetics Tuebingen Variant Classification Criteria Version 2. Collection method: clinical testing. Allele origin: germline. Affected: yes. Observed: 1 variant allele.
Comment: CACNA1H: BS1, BS2

Fulgent Genetics
Classification: Likely benign for Epilepsy, childhood absence, susceptibility to, 6; Hyperaldosteronism, familial, type IV. Last evaluated: 2021-10-15. Review status: criteria provided, single submitter. Criteria: ACMG Guidelines, 2015. Collection method: clinical testing. Allele origin: unknown.

NM_021098.3(CACNA1H):c.6198C>T (p.Ser2066=)

Gene: CACNA1H (calcium voltage-gated channel subunit alpha1 H; plus strand). Cytogenetic location: 16p13.3.
Variant type: single nucleotide variant.
Coding change: c.6198C>T on transcript NM_021098.3 (MANE Select); coding-DNA position 6198, C replaced by T.
Protein change: p.Ser2066=; no amino-acid change (serine 2066 retained).
Molecular consequence: synonymous variant.
Genome position (GRCh38, 1-based): chr16:1,220,130, C>T. VCF-style: chr16-1220130-C-T. GRCh37 (hg19) VCF-style: chr16-1270130-C-T.
Other names: p.Ser2066=; c.6180C>T, p.Ser2060= (NM_001005407.2).
Identifiers: ClinVar variation 529670 (VCV000529670.38), dbSNP rs375020212, ClinGen allele CA7802262.